The following is an entry in ClinVar:

ClinVar aggregate classification (germline): Uncertain significance (1 of 4 stars; one submission).

Conditions:
Developmental and epileptic encephalopathy, 54. Also called: Epileptic encephalopathy, early infantile, 54; HNRNPU-Related Neurodevelopmental Disorder. Identifiers: MedGen C4479319, MONDO:0033363, OMIM 617391.

Submission:

Labcorp Genetics (formerly Invitae), Labcorp
Classification: Uncertain significance for Developmental and epileptic encephalopathy, 54. Last evaluated: 2024-11-04. Review status: criteria provided, single submitter. Criteria: Invitae Variant Classification Sherloc (09022015). Collection method: clinical testing. Allele origin: germline.
Comment: This sequence change falls in intron 6 of the HNRNPU gene. It does not directly change the encoded amino acid sequence of the HNRNPU protein. It affects a nucleotide within the consensus splice site. This variant is not present in population databases (gnomAD no frequency). This variant has not been reported in the literature in individuals affected with HNRNPU-related conditions. ClinVar contains an entry for this variant (Variation ID: 1524819). Variants that disrupt the consensus splice site are a relatively common cause of aberrant splicing (PMID: 17576681, 9536098). Algorithms developed to predict the effect of sequence changes on RNA splicing suggest that this variant is not likely to affect RNA splicing. In summary, the available evidence is currently insufficient to determine the role of this variant in disease. Therefore, it has been classified as a Variant of Uncertain Significance.

Literature cited by the submitters: PubMed 17576681; PubMed 9536098.

NM_031844.3(HNRNPU):c.1231-3C>T

Gene: HNRNPU (heterogeneous nuclear ribonucleoprotein U; minus strand). Cytogenetic location: 1q44.
Variant type: single nucleotide variant.
Coding change: c.1231-3C>T on transcript NM_031844.3 (MANE Select); 3 bases into the intron before coding-DNA position 1231, C replaced by T.
Molecular consequence: intron variant.
Genome position (GRCh38, 1-based): chr1:244,858,277, G>A on the plus strand (C>T on the coding strand, the complement: HNRNPU is on the minus strand). VCF-style: chr1-244858277-G-A. GRCh37 (hg19) VCF-style: chr1-245021579-G-A.
Other names: c.1174-3C>T (NM_004501.3).
Identifiers: ClinVar variation 1524819 (VCV001524819.6), dbSNP rs2102986793, ClinGen allele CA2573132975.
Genomic context (GRCh38, chr1:244,858,277, plus strand): 5'-CGCCAAGATCTTGTCCATTCTTAGCATACGAGAGTTCTACTTCATCACTTTCAAAGTTCT[G>A]TTACACAGAAAAAAATTCAACAGTTAAAATCTGCTTCCTTAAACTTTCTAAAAAACTAAG-3'